The following is an entry in ClinVar:

NM_001099922.3(ALG13):c.1969A>G (p.Met657Val)

Gene: ALG13 (ALG13 UDP-N-acetylglucosaminyltransferase subunit; plus strand). Cytogenetic location: Xq23.
Variant type: single nucleotide variant.
Coding change: c.1969A>G on transcript NM_001099922.3 (MANE Select); coding-DNA position 1969, A replaced by G.
Protein change: p.Met657Val; replaces methionine 657 with valine.
Molecular consequence: missense variant. On other transcripts: non-coding transcript variant (1).
Genome position (GRCh38, 1-based): chrX:111,727,048, A>G. VCF-style: chrX-111727048-A-G. GRCh37 (hg19) VCF-style: chrX-110970276-A-G.
Other names: c.1657A>G, p.Met553Val (NM_001257230.2, NM_001257234.2, NM_001257237.2); c.1735A>G, p.Met579Val (NM_001257231.2); c.1969A>G, p.Met657Val (NM_001324292.2); c.1483A>G, p.Met495Val (NM_001324293.1); short protein forms M553V, M579V, M495V, M657V.
Identifiers: ClinVar variation 1387852 (VCV001387852.8), dbSNP rs2148221188, ClinGen allele CA414252944.

ClinVar aggregate classification (germline): Uncertain significance (1 of 4 stars; one submission).

Conditions:
Developmental and epileptic encephalopathy, 36 (DEE36). Also called: Congenital disorder of glycosylation, type Is; Epileptic encephalopathy, early infantile, 36; ALG13-CDG. Identifiers: Orphanet 324422, MedGen C4317295, MONDO:0010472, OMIM 300884.

Submission:

Labcorp Genetics (formerly Invitae), Labcorp
Classification: Uncertain significance for Developmental and epileptic encephalopathy, 36. Last evaluated: 2021-01-15. Review status: criteria provided, single submitter. Criteria: Invitae Variant Classification Sherloc (09022015). Collection method: clinical testing. Allele origin: germline.
Comment: In summary, the available evidence is currently insufficient to determine the role of this variant in disease. Therefore, it has been classified as a Variant of Uncertain Significance. Algorithms developed to predict the effect of missense changes on protein structure and function output the following: SIFT: "Tolerated"; PolyPhen-2: "Benign"; Align-GVGD: "Class C0". The valine amino acid residue is found in multiple mammalian species, suggesting that this missense change does not adversely affect protein function. These predictions have not been confirmed by published functional studies and their clinical significance is uncertain. This variant has not been reported in the literature in individuals with ALG13-related conditions. This variant is not present in population databases (ExAC no frequency). This sequence change replaces methionine with valine at codon 657 of the ALG13 protein (p.Met657Val). The methionine residue is moderately conserved and there is a small physicochemical difference between methionine and valine.